The following is an entry in ClinVar:

ClinVar aggregate classification (germline): Likely benign (0 of 4 stars; one submission).

Conditions:
C9orf72-related disorder. Also called: C9orf72-related condition.

Submission:

PreventionGenetics, part of Exact Sciences
Classification: Likely benign for C9orf72-related condition. Last evaluated: 2024-01-08. Review status: no assertion criteria provided. Collection method: clinical testing. Allele origin: germline.
Comment: This variant is classified as likely benign based on ACMG/AMP sequence variant interpretation guidelines (Richards et al. 2015 PMID: 25741868, with internal and published modifications).

NM_018325.5(C9orf72):c.1260-8A>C

Gene: C9orf72 (C9orf72-SMCR8 complex subunit; minus strand). Cytogenetic location: 9p21.2.
Variant type: single nucleotide variant.
Coding change: c.1260-8A>C on transcript NM_018325.5 (MANE Select); 8 bases into the intron before coding-DNA position 1260, A replaced by C.
Molecular consequence: intron variant.
Genome position (GRCh38, 1-based): chr9:27,548,430, T>G on the plus strand (A>C on the coding strand, the complement: C9orf72 is on the minus strand). VCF-style: chr9-27548430-T-G. GRCh37 (hg19) VCF-style: chr9-27548428-T-G.
Other names: c.1260-8A>C (NM_001256054.3).
Identifiers: ClinVar variation 3030356 (VCV003030356.2), dbSNP rs201135029, ClinGen allele CA2740095438.